The following is an entry in ClinVar:

ClinVar aggregate classification (germline): Conflicting classifications of pathogenicity. Review status: criteria provided, conflicting classifications (1 of 4 stars). 5 submissions from 5 submitters: Uncertain significance (3); Likely benign (1). 1 of the submissions does not count toward it. Last evaluated 2025-08-05.

Conditions:
ELP1-related disorder. Also called: ELP1-related condition.
Familial dysautonomia. Also called: HSAN III; FD. Identifiers: Orphanet 1764, MedGen C0013364, MONDO:0009131, OMIM 223900. Disease mechanism: loss of function.
Medulloblastoma (MDB). Also called: MEDULLOBLASTOMA PREDISPOSITION SYNDROME; Medulloblastoma, somatic. Identifiers: Orphanet 616, MedGen C0025149, MeSH D008527, MONDO:0007959, OMIM 155255, HP:0002885.

Allele frequency attached by ClinVar (database versions not stated): gnomAD 0.00004; gnomAD exomes 0.00009 and 0.00021; TOPMed 0.00015; 1000 Genomes Project 30x 0.00016; ExAC 0.00018; 1000 Genomes Project 0.00020.
gnomAD v4.1: 62 of 1,613,696 alleles (0.0038%); highest among the groups gnomAD compares: Admixed American, 0.1%; no homozygotes.

Submissions (5):

PreventionGenetics, part of Exact Sciences
Classification: Likely benign for ELP1-related condition. Last evaluated: 2025-08-05. Review status: criteria provided, single submitter. Criteria: ACMG Guidelines, 2015. Collection method: clinical testing. Allele origin: germline.
Comment: This variant is classified as likely benign based on ACMG/AMP sequence variant interpretation guidelines (Richards et al. 2015 PMID: 25741868, with internal and published modifications).

Fulgent Genetics
Classification: Uncertain significance for Medulloblastoma; Familial dysautonomia. Last evaluated: 2022-05-18. Review status: criteria provided, single submitter. Criteria: ACMG Guidelines, 2015. Collection method: clinical testing. Allele origin: unknown.

Labcorp Genetics (formerly Invitae), Labcorp
Classification: Uncertain significance. Last evaluated: 2021-11-21. Review status: criteria provided, single submitter. Criteria: Invitae Variant Classification Sherloc (09022015). Collection method: clinical testing. Allele origin: germline.
Comment: This sequence change replaces histidine, which is basic and polar, with tyrosine, which is neutral and polar, at codon 949 of the ELP1 protein (p.His949Tyr). This variant is present in population databases (rs201440191, gnomAD 0.2%). This variant has not been reported in the literature in individuals affected with ELP1-related conditions. ClinVar contains an entry for this variant (Variation ID: 577389). Algorithms developed to predict the effect of missense changes on protein structure and function are either unavailable or do not agree on the potential impact of this missense change (SIFT: "Deleterious"; PolyPhen-2: "Probably Damaging"; Align-GVGD: "Class C0"). In summary, the available evidence is currently insufficient to determine the role of this variant in disease. Therefore, it has been classified as a Variant of Uncertain Significance.

Baylor Genetics
Classification: Uncertain significance for Familial dysautonomia. Last evaluated: 2019-12-30. Review status: criteria provided, single submitter. Criteria: ACMG Guidelines, 2015. Collection method: clinical testing. Allele origin: unknown. Affected: yes.
Comment: This variant was determined to be of uncertain significance according to ACMG Guidelines, 2015 [PMID:25741868].

Natera, Inc.
Classification: Uncertain significance for Familial dysautonomia. Last evaluated: 2020-09-16. Review status: no assertion criteria provided. Collection method: clinical testing. Allele origin: germline. Not counted in ClinVar's aggregate classification.

NM_003640.5(ELP1):c.2845C>T (p.His949Tyr)

Gene: ELP1 (elongator acetyltransferase complex subunit 1; minus strand). Cytogenetic location: 9q31.3.
Variant type: single nucleotide variant.
Coding change: c.2845C>T on transcript NM_003640.5 (MANE Select); coding-DNA position 2845, C replaced by T.
Protein change: p.His949Tyr; replaces histidine 949 with tyrosine.
Molecular consequence: missense variant.
Genome position (GRCh38, 1-based): chr9:108,893,958, G>A on the plus strand (C>T on the coding strand, the complement: ELP1 is on the minus strand). VCF-style: chr9-108893958-G-A. GRCh37 (hg19) VCF-style: chr9-111656238-G-A.
Other names: c.2845C>T (LRG_251t1, NM_003640.4); c.2503C>T, p.His835Tyr (NM_001318360.2); c.1798C>T, p.His600Tyr (NM_001330749.2); short protein forms H949Y, H600Y, H835Y.
Identifiers: ClinVar variation 577389 (VCV000577389.8), dbSNP rs201440191, ClinGen allele CA5174524.